The following is an entry in ClinVar:

ClinVar aggregate classification (germline): Uncertain significance. Review status: criteria provided, multiple submitters, no conflicts (2 of 4 stars). 6 submissions from 6 submitters: Uncertain significance (5). 1 of the submissions does not count toward it. Last evaluated 2025-11-24.

Conditions:
Cardiomyopathy (CMYO). Also called: Cardiomyopathies. Identifiers: Orphanet 167848, MedGen C0878544, MONDO:0004994, HP:0001638. Inheritance: Various modes of inheritance.
Dystrophin deficiency.
Duchenne muscular dystrophy (DMD). Also called: Duchenne Muscular Dystrophy (DMD); MUSCULAR DYSTROPHY, PSEUDOHYPERTROPHIC PROGRESSIVE, DUCHENNE TYPE. Identifiers: Orphanet 98896, MedGen C0013264, MONDO:0010679, OMIM 310200.
Becker muscular dystrophy (BMD). Also called: MUSCULAR DYSTROPHY, PSEUDOHYPERTROPHIC PROGRESSIVE, BECKER TYPE; Becker Muscular Dystrophy (BMD). Identifiers: Orphanet 98895, MedGen C0917713, MONDO:0010311, OMIM 300376.
Cardiovascular phenotype. Identifiers: MedGen CN230736.

Allele frequency attached by ClinVar (database versions not stated): gnomAD 0.00001; gnomAD exomes 0.00002.
gnomAD v4.1: 24 of 1,188,280 alleles (0.002%); highest among the groups gnomAD compares: Middle Eastern, 0.023%; no homozygotes.

Submissions (6):

Women's Health and Genetics/Laboratory Corporation of America, LabCorp
Classification: Uncertain significance. Last evaluated: 2025-11-24. Review status: criteria provided, single submitter. Criteria: LabCorp Variant Classification Summary - May 2015. Collection method: clinical testing. Allele origin: germline.

Ambry Genetics
Classification: Uncertain significance for Cardiovascular phenotype. Last evaluated: 2025-10-10. Review status: criteria provided, single submitter. Criteria: Ambry Variant Classification Scheme 2023. Collection method: clinical testing. Allele origin: germline.
Comment: The p.E3523Q variant (also known as c.10567G>C), located in coding exon 75 of the DMD gene, results from a G to C substitution at nucleotide position 10567. The glutamic acid at codon 3523 is replaced by glutamine, an amino acid with highly similar properties. This amino acid position is highly conserved in available vertebrate species. In addition, this alteration is predicted to be deleterious by in silico analysis. Based on data from gnomAD, the C allele has an overall frequency of 0.0049% (1/20427) total alleles studied, with no hemizygote(s) observed. The highest observed frequency was 0.0099% (1/10129) of European (non-Finnish) alleles. Based on the available evidence, the clinical significance of this variant remains unclear.

Labcorp Genetics (formerly Invitae), Labcorp
Classification: Uncertain significance for Duchenne muscular dystrophy. Last evaluated: 2025-08-12. Review status: criteria provided, single submitter. Criteria: Invitae Variant Classification Sherloc (09022015). Collection method: clinical testing. Allele origin: germline.
Comment: This sequence change replaces glutamic acid, which is acidic and polar, with glutamine, which is neutral and polar, at codon 3523 of the DMD protein (p.Glu3523Gln). This variant is present in population databases (no rsID available, gnomAD 0.01%). This variant has not been reported in the literature in individuals affected with DMD-related conditions. ClinVar contains an entry for this variant (Variation ID: 429917). Invitae Evidence Modeling of protein sequence and biophysical properties (such as structural, functional, and spatial information, amino acid conservation, physicochemical variation, residue mobility, and thermodynamic stability) indicates that this missense variant is not expected to disrupt DMD protein function with a negative predictive value of 95%. In summary, the available evidence is currently insufficient to determine the role of this variant in disease. Therefore, it has been classified as a Variant of Uncertain Significance.

Blueprint Genetics
Classification: Uncertain significance. Last evaluated: 2020-01-08. Review status: criteria provided, single submitter. Criteria: ACMG Guidelines, 2015. Collection method: clinical testing. Allele origin: germline.

GeneDx
Classification: Uncertain significance. Last evaluated: 2018-12-01. Review status: criteria provided, single submitter. Criteria: GeneDx Variant Classification (06012015). Collection method: clinical testing. Allele origin: germline. Affected: yes.
Comment: The E3523Q variant in the DMD gene has not been reported previously as a pathogenic variant, nor as a benign variant, to our knowledge. The E3523Q variant was not observed in approximately 6,500 individuals of European and African American ancestry in the NHLBI Exome Sequencing Project, indicating it is not a common benign variant in these populations. The E3523Q variant is a semi-conservative amino acid substitution, which may impact secondary protein structure as these residues differ in some properties. This substitution occurs at a position that is conserved across species. In silico analysis predicts this variant is probably damaging to the protein structure/function. A missense variant in a nearby residue (Q3521K) has been reported in the Human Gene Mutation Database in association with Duchenne muscular dystrophy (Stenson et al., 2014), supporting the functional importance of this region of the protein. We interpret E3523Q as a variant of uncertain significance, which may be related to the reported motor delays in this individual.

Natera, Inc.
Classification: Uncertain significance for Becker muscular dystrophy; Cardiomyopathy; Duchenne muscular dystrophy; Dystrophin deficiency. Last evaluated: 2018-07-21. Review status: no assertion criteria provided. Collection method: clinical testing. Allele origin: germline. Not counted in ClinVar's aggregate classification.

NM_004006.3(DMD):c.10567G>C (p.Glu3523Gln)

Gene: DMD (dystrophin; minus strand). Cytogenetic location: Xp21.2.
Variant type: single nucleotide variant.
Coding change: c.10567G>C on transcript NM_004006.3 (MANE Select); coding-DNA position 10567, G replaced by C.
Protein change: p.Glu3523Gln; replaces glutamic acid 3523 with glutamine.
Molecular consequence: missense variant.
Genome position (GRCh38, 1-based): chrX:31,147,505, C>G on the plus strand (G>C on the coding strand, the complement: DMD is on the minus strand). VCF-style: chrX-31147505-C-G. GRCh37 (hg19) VCF-style: chrX-31165622-C-G.
Other names: c.10543G>C, p.Glu3515Gln (NM_000109.4); c.10555G>C, p.Glu3519Gln (NM_004009.3); c.10198G>C, p.Glu3400Gln (NM_004010.3); c.6544G>C, p.Glu2182Gln (NM_004011.4); c.6535G>C, p.Glu2179Gln (NM_004012.4); c.3187G>C, p.Glu1063Gln (NM_004013.3, NM_004021.3); c.2380G>C, p.Glu794Gln (NM_004014.3); c.1363G>C, p.Glu455Gln (NM_004015.3, NM_004016.3); and 3 more; short protein forms E3523Q, E3515Q, E953Q, E2182Q, E794Q, E2179Q, E3400Q, E442Q.
Identifiers: ClinVar variation 429917 (VCV000429917.12), dbSNP rs1131691670, ClinGen allele CA412649676.